The following is an entry in ClinVar:

ClinVar aggregate classification (germline): Uncertain significance (1 of 4 stars; one submission).

Conditions:
DDB1-related disorder. Also called: DDB1-related condition.

Submission:

PreventionGenetics, part of Exact Sciences
Classification: Uncertain significance for DDB1-related condition. Last evaluated: 2025-03-10. Review status: criteria provided, single submitter. Criteria: ACMG Guidelines, 2015. Collection method: clinical testing. Allele origin: germline.
Comment: The DDB1 c.1713G>C variant is predicted to result in the amino acid substitution p.Leu571Phe. To our knowledge, this variant has not been reported in the literature or in a large population database (gnomAD), indicating this variant is rare. At this time, the clinical significance of this variant is uncertain due to the absence of conclusive functional and genetic evidence.

NM_001923.5(DDB1):c.1713G>C (p.Leu571Phe)

Gene: DDB1 (damage specific DNA binding protein 1; minus strand). Cytogenetic location: 11q12.2.
Variant type: single nucleotide variant.
Coding change: c.1713G>C on transcript NM_001923.5 (MANE Select); coding-DNA position 1713, G replaced by C.
Protein change: p.Leu571Phe; replaces leucine 571 with phenylalanine.
Molecular consequence: missense variant.
Genome position (GRCh38, 1-based): chr11:61,314,087, C>G on the plus strand (G>C on the coding strand, the complement: DDB1 is on the minus strand). VCF-style: chr11-61314087-C-G. GRCh37 (hg19) VCF-style: chr11-61081559-C-G.
Other names: short protein forms L571F.
Identifiers: ClinVar variation 4999615 (VCV004999615.1).